The following is an entry in ClinVar:

ClinVar aggregate classification (germline): Uncertain significance (1 of 4 stars; one submission).

gnomAD v4.1: 15 of 1,613,614 alleles (0.00093%); highest among the groups gnomAD compares: South Asian, 0.0022%; no homozygotes.

Submission:

Labcorp Genetics (formerly Invitae), Labcorp
Classification: Uncertain significance. Last evaluated: 2025-05-17. Review status: criteria provided, single submitter. Criteria: Invitae Variant Classification Sherloc (09022015). Collection method: clinical testing. Allele origin: germline.
Comment: This sequence change replaces glutamic acid, which is acidic and polar, with lysine, which is basic and polar, at codon 918 of the NFKB1 protein (p.Glu918Lys). This variant is present in population databases (rs766860802, gnomAD 0.003%). This variant has not been reported in the literature in individuals affected with NFKB1-related conditions. ClinVar contains an entry for this variant (Variation ID: 3679510). An algorithm developed to predict the effect of missense changes on protein structure and function (PolyPhen-2) suggests that this variant is likely to be tolerated. In summary, the available evidence is currently insufficient to determine the role of this variant in disease. Therefore, it has been classified as a Variant of Uncertain Significance.

NM_003998.4(NFKB1):c.2752G>A (p.Glu918Lys)

Gene: NFKB1 (nuclear factor kappa B subunit 1; plus strand). Cytogenetic location: 4q24.
Variant type: single nucleotide variant.
Coding change: c.2752G>A on transcript NM_003998.4 (MANE Select); coding-DNA position 2752, G replaced by A.
Protein change: p.Glu918Lys; replaces glutamic acid 918 with lysine.
Molecular consequence: missense variant.
Genome position (GRCh38, 1-based): chr4:102,616,436, G>A. VCF-style: chr4-102616436-G-A. GRCh37 (hg19) VCF-style: chr4-103537593-G-A.
Other names: c.2710G>A, p.Glu904Lys (NM_001382628.1); c.2749G>A, p.Glu917Lys (NM_001165412.2, NM_001319226.2, NM_001382627.1); c.2752G>A, p.Glu918Lys (NM_001382625.1, NM_001382626.1); short protein forms E917K, E918K, E904K.
Identifiers: ClinVar variation 3679510 (VCV003679510.2).